The following is an entry in ClinVar:

ClinVar aggregate classification (germline): Uncertain significance. Review status: criteria provided, multiple submitters, no conflicts (2 of 4 stars). 2 submissions from 2 submitters: Uncertain significance (2). Last evaluated 2024-01-17.

Conditions:
Imerslund-Grasbeck syndrome type 1 (IGS1). Also called: Imerslund-Gräsbeck syndrome 1; Megaloblastic anemia 1, Finnish type; MEGALOBLASTIC ANEMIA, 1. Identifiers: MedGen C4016819, MONDO:0100156, OMIM 261100.
Proteinuria, chronic benign. Identifiers: MedGen C5394384, MONDO:0030042, OMIM 618884.
Imerslund-Grasbeck syndrome. Also called: ENTEROCYTE COBALAMIN MALABSORPTION; ENTEROCYTE INTRINSIC FACTOR RECEPTOR, DEFECT OF; PERNICIOUS ANEMIA, JUVENILE, DUE TO SELECTIVE INTESTINAL MALABSORPTION OF VITAMIN B12, WITH PROTEINURIA; Imerslund-Gräsbeck syndrome; Megaloblastic anemia due to inborn errors of metabolism. Identifiers: Orphanet 35858, MedGen C4551825, MONDO:0009853.

Allele frequency attached by ClinVar (database versions not stated): gnomAD 0.00003; gnomAD exomes 0.00003; 1000 Genomes Project 30x 0.00016; TOPMed 0.00002; ExAC 0.00002.
gnomAD v4.1: 47 of 1,614,062 alleles (0.0029%); highest among the groups gnomAD compares: Non-Finnish European, 0.0039%; no homozygotes.

Submissions (2):

Fulgent Genetics
Classification: Uncertain significance for Imerslund-Grasbeck syndrome type 1; Proteinuria, chronic benign. Last evaluated: 2024-01-17. Review status: criteria provided, single submitter. Criteria: ACMG Guidelines, 2015. Collection method: clinical testing. Allele origin: germline.

Labcorp Genetics (formerly Invitae), Labcorp
Classification: Uncertain significance for Imerslund-Grasbeck syndrome. Last evaluated: 2022-06-15. Review status: criteria provided, single submitter. Criteria: Invitae Variant Classification Sherloc (09022015). Collection method: clinical testing. Allele origin: germline.
Comment: In summary, the available evidence is currently insufficient to determine the role of this variant in disease. Therefore, it has been classified as a Variant of Uncertain Significance. Algorithms developed to predict the effect of missense changes on protein structure and function are either unavailable or do not agree on the potential impact of this missense change (SIFT: "Deleterious"; PolyPhen-2: "Probably Damaging"; Align-GVGD: "Class C0"). This variant has not been reported in the literature in individuals affected with CUBN-related conditions. This variant is present in population databases (rs771627007, gnomAD 0.004%). This sequence change replaces tyrosine, which is neutral and polar, with cysteine, which is neutral and slightly polar, at codon 699 of the CUBN protein (p.Tyr699Cys).

NM_001081.4(CUBN):c.2096A>G (p.Tyr699Cys)

Gene: CUBN (cubilin; minus strand). Cytogenetic location: 10p13.
Variant type: single nucleotide variant.
Coding change: c.2096A>G on transcript NM_001081.4 (MANE Select); coding-DNA position 2096, A replaced by G.
Protein change: p.Tyr699Cys; replaces tyrosine 699 with cysteine.
Molecular consequence: missense variant.
Genome position (GRCh38, 1-based): chr10:17,085,611, T>C on the plus strand (A>G on the coding strand, the complement: CUBN is on the minus strand). VCF-style: chr10-17085611-T-C. GRCh37 (hg19) VCF-style: chr10-17127610-T-C.
Other names: short protein forms Y699C.
Identifiers: ClinVar variation 2069721 (VCV002069721.5), dbSNP rs771627007, ClinGen allele CA5425109.